The following is an entry in ClinVar:

ClinVar aggregate classification (germline): Benign (1 of 4 stars; one submission).

Allele frequency attached by ClinVar (database versions not stated): gnomAD exomes 0.00010; gnomAD 0.00011; TOPMed 0.00012; ExAC 0.48653.
gnomAD v4.1: 164 of 1,581,194 alleles (0.01%); highest among the groups gnomAD compares: South Asian, 0.029%; no homozygotes.

Submission:

Laboratory for Molecular Medicine, Mass General Brigham Personalized Medicine
Classification: Benign. Last evaluated: 2016-03-28. Review status: criteria provided, single submitter. Criteria: LMM Criteria. Collection method: clinical testing. Allele origin: germline.
Comment: Variant identified in a genome or exome case(s) and assessed due to predicted null impact of the variant or pathogenic assertions in the literature or databases. Disclaimer: This variant has not undergone full assessment. The following are preliminary notes: Frequency

NM_002458.3(MUC5B):c.3189C>T (p.Asp1063=)

Gene: MUC5B (mucin 5B, oligomeric mucus/gel-forming; plus strand). Cytogenetic location: 11p15.5.
Variant type: single nucleotide variant.
Coding change: c.3189C>T on transcript NM_002458.3 (MANE Select); coding-DNA position 3189, C replaced by T.
Protein change: p.Asp1063=; no amino-acid change (aspartic acid 1063 retained).
Molecular consequence: synonymous variant.
Genome position (GRCh38, 1-based): chr11:1,237,056, C>T. VCF-style: chr11-1237056-C-T. GRCh37 (hg19) VCF-style: chr11-1258286-C-T.
Identifiers: ClinVar variation 403129 (VCV000403129.4), dbSNP rs77996005, ClinGen allele CA5804985.
Genomic context (GRCh38, chr11:1,237,056, plus strand): 5'-CGTGGTGGGGGACGCACTGGAGTTTGGGAACAGCTGGAAGCTCTCCCCCTCCTGCCCGGA[C>T]GCCCTGGCACCCAAGGACCCCTGCACGGCCAACCCCTTCCGCAAGTCCTGGGCCCAGAAG-3'
Protein context (NP_002449.2, residues 1053-1073): NSWKLSPSCP[Asp1063=]ALAPKDPCTA